The following is an entry in ClinVar:

NM_205836.3(FBXO38):c.1493A>G (p.Asp498Gly)

Gene: FBXO38 (F-box protein 38; plus strand). Cytogenetic location: 5q32.
Variant type: single nucleotide variant.
Coding change: c.1493A>G on transcript NM_205836.3 (MANE Select); coding-DNA position 1493, A replaced by G.
Protein change: p.Asp498Gly; replaces aspartic acid 498 with glycine.
Molecular consequence: missense variant.
Genome position (GRCh38, 1-based): chr5:148,417,079, A>G. VCF-style: chr5-148417079-A-G. GRCh37 (hg19) VCF-style: chr5-147796642-A-G.
Other names: c.1493A>G, p.Asp498Gly (NM_001271723.2, NM_030793.5); short protein forms D498G.
Identifiers: ClinVar variation 1950659 (VCV001950659.5), dbSNP rs1753099051, ClinGen allele CA361659895.

ClinVar aggregate classification (germline): Uncertain significance (1 of 4 stars; one submission).

Conditions:
Distal hereditary motor neuropathy type 2. Identifiers: Orphanet 139525, MedGen C3711384, MeSH C580044, MONDO:0015352.

Allele frequency attached by ClinVar (database versions not stated): gnomAD exomes below 0.00001; TOPMed 0.00001.
gnomAD v4.1: 2 of 1,613,578 alleles (0.00012%); highest among the groups gnomAD compares: African/African-American, 0.0013%; no homozygotes.

Submission:

Labcorp Genetics (formerly Invitae), Labcorp
Classification: Uncertain significance for Distal hereditary motor neuropathy type 2. Last evaluated: 2021-12-21. Review status: criteria provided, single submitter. Criteria: Invitae Variant Classification Sherloc (09022015). Collection method: clinical testing. Allele origin: germline.
Comment: This variant has not been reported in the literature in individuals affected with FBXO38-related conditions. In summary, the available evidence is currently insufficient to determine the role of this variant in disease. Therefore, it has been classified as a Variant of Uncertain Significance. Algorithms developed to predict the effect of sequence changes on RNA splicing suggest that this variant may create or strengthen a splice site. Algorithms developed to predict the effect of missense changes on protein structure and function are either unavailable or do not agree on the potential impact of this missense change (SIFT: "Deleterious"; PolyPhen-2: "Possibly Damaging"; Align-GVGD: "Class C0"). This variant is not present in population databases (gnomAD no frequency). This sequence change replaces aspartic acid, which is acidic and polar, with glycine, which is neutral and non-polar, at codon 498 of the FBXO38 protein (p.Asp498Gly).